The following is an entry in ClinVar:

NM_001134363.3(RBM20):c.255A>C (p.Ser85=)

Gene: RBM20 (RNA binding motif protein 20; plus strand). Cytogenetic location: 10q25.2.
Variant type: single nucleotide variant.
Coding change: c.255A>C on transcript NM_001134363.3 (MANE Select); coding-DNA position 255, A replaced by C.
Protein change: p.Ser85=; no amino-acid change (serine 85 retained).
Molecular consequence: synonymous variant.
Genome position (GRCh38, 1-based): chr10:110,780,864, A>C. VCF-style: chr10-110780864-A-C. GRCh37 (hg19) VCF-style: chr10-112540622-A-C.
Other names: p.S85S:TCA>TCC; NC_000010.10:g.112540622A>C; c.255A>C (LRG_382t1).
Identifiers: ClinVar variation 138899 (VCV000138899.2), dbSNP rs587781136, ClinGen allele CA333148.

ClinVar aggregate classification (germline): Benign (1 of 4 stars; one submission).

Allele frequency attached by ClinVar (database versions not stated): ExAC 0.05330.

Submissions (4):

GeneDx
Classification: Benign. Last evaluated: 2013-08-12. Review status: criteria provided, single submitter. Criteria: GeneDx Variant Classification (06012015). Collection method: clinical testing. Allele origin: germline. Affected: yes.
Comment: This variant is considered likely benign or benign based on one or more of the following criteria: it is a conservative change, it occurs at a poorly conserved position in the protein, it is predicted to be benign by multiple in silico algorithms, and/or has population frequency not consistent with disease.

Dr. Peter K. Rogan Lab, Western University
No classification provided (evidence only). Condition: Familial cancer of breast. Review status: no classification provided. Collection method: in vitro. Allele origin: not applicable. Functional consequence: retained intron. Not counted in ClinVar's aggregate classification.

Dr. Peter K. Rogan Lab, Western University
No classification provided (evidence only). Condition: Familial cancer of breast. Review status: no classification provided. Collection method: in vitro. Allele origin: not applicable. Functional consequence: retained intron. Not counted in ClinVar's aggregate classification.

Dr. Peter K. Rogan Lab, Western University
No classification provided (evidence only). Condition: Familial cancer of breast. Review status: no classification provided. Collection method: in vitro. Allele origin: not applicable. Functional consequence: retained intron. Not counted in ClinVar's aggregate classification.